The following is an entry in ClinVar:

NM_002016.2(FLG):c.7192G>T (p.Glu2398Ter)

Genes: CCDST (cervical cancer associated DHX9 suppressive transcript; plus strand), FLG (filaggrin; minus strand). Cytogenetic location: 1q21.3.
Variant type: single nucleotide variant.
Coding change: c.7192G>T on transcript NM_002016.2 (MANE Select); coding-DNA position 7192, G replaced by T.
Protein change: p.Glu2398Ter; replaces glutamic acid 2398 with a stop codon.
Molecular consequence: nonsense.
Genome position (GRCh38, 1-based): chr1:152,307,694, C>A on the plus strand (G>T on the coding strand, the complement: FLG is on the minus strand). VCF-style: chr1-152307694-C-A. GRCh37 (hg19) VCF-style: chr1-152280170-C-A.
Other names: short protein forms E2398*.
Identifiers: ClinVar variation 5018743 (VCV005018743.2).

ClinVar aggregate classification (germline): Uncertain significance (1 of 4 stars; one submission).

Conditions:
Ichthyosis vulgaris. Also called: ICHTHYOSIS SIMPLEX; Dominant ichthyosis vulgaris. Identifiers: MedGen C0079584, MONDO:0024304, OMIM 146700.
Dermatitis, atopic, 2. Identifiers: MedGen C1853965, MONDO:0011596, OMIM 605803.

Submission:

Juno Genomics, Hangzhou Juno Genomics, Inc
Classification: Uncertain significance for Dermatitis, atopic, 2; Ichthyosis vulgaris. Review status: criteria provided, single submitter. Criteria: ACMG Guidelines, 2015. Collection method: clinical testing. Allele origin: germline.
Comment: Absent from controls (or at extremely low frequency if recessive) in Genome Aggregation Database.;Null variant in a gene where loss of function (LOF) is a known mechanism of disease.